The following is an entry in ClinVar:

ClinVar aggregate classification (germline): Likely pathogenic (1 of 4 stars; one submission).

Conditions:
Neurodevelopmental disorder with hypotonia, language delay, and skeletal defects with or without seizures (NEDHLSS). Identifiers: MedGen C5774213, MONDO:0859286, OMIM 620029.

Submission:

Illumina Laboratory Services, Illumina
Classification: Likely pathogenic for Neurodevelopmental disorder with hypotonia, language delay, and skeletal defects with or without seizures. Last evaluated: 2018-11-04. Review status: criteria provided, single submitter. Criteria: ICSLVariantClassificationCriteria RUGD 01 April 2020. Collection method: clinical testing. Allele origin: unknown.
Comment: The CACNA1A c.4118C>T p.(Ser1373Leu) missense variant has been identified in an individual with a phenotype consistent with neurodevelopmental disorder with hypotonia, language delay, and skeletal defects with or without seizures (Byers et al. 2016). This variant is not observed in version 2.1.1 of the Genome Aggregation Database. Based on the available evidence the c.4118C>T p.(Ser1373Leu) variant is classified as likely pathogenic for neurodevelopmental disorder with hypotonia, language delay, and skeletal defects with or without seizures.

NM_001127222.2(CACNA1A):c.4115C>T (p.Ser1372Leu)

Genes: CACNA1A (calcium voltage-gated channel subunit alpha1 A; minus strand), LOC126862864 (MED14-independent group 3 enhancer GRCh37_chr19:13371552-13372751; plus strand). Cytogenetic location: 19p13.13.
Variant type: single nucleotide variant.
Coding change: c.4115C>T on transcript NM_001127222.2 (MANE Select); coding-DNA position 4115, C replaced by T.
Protein change: p.Ser1372Leu; replaces serine 1372 with leucine.
Molecular consequence: missense variant.
Genome position (GRCh38, 1-based): chr19:13,261,585, G>A on the plus strand (C>T on the coding strand, the complement: CACNA1A is on the minus strand). VCF-style: chr19-13261585-G-A. GRCh37 (hg19) VCF-style: chr19-13372399-G-A.
Other names: c.4127C>T, p.Ser1376Leu (NM_000068.4, NM_023035.3); c.4118C>T, p.Ser1373Leu (NM_001127221.2, NM_001174080.2); short protein forms S1372L, S1373L, S1376L.
Identifiers: ClinVar variation 3062038 (VCV003062038.1), dbSNP rs2512759522, ClinGen allele CA404339838.
Genomic context (GRCh38, chr19:13,261,585, plus strand): 5'-ACGGCGAAGATGAACATGAATAGCATGTAGACGATGAGGATGTTGAAGACGTTTTTAAGT[G>A]AGTTCACCACACAGTCAAACACAGCCTGTGGGGTGGAGTTGACAGAGAGCATGAGGGGCT-3'
Protein context (NP_001120694.1, residues 1362-1382): LKAVFDCVVN[Ser1372Leu]LKNVFNILIV